The following is an entry in ClinVar:

NM_001273.5(CHD4):c.2873T>C (p.Leu958Pro)

Gene: CHD4 (chromodomain helicase DNA binding protein 4; minus strand). Cytogenetic location: 12p13.31.
Variant type: single nucleotide variant.
Coding change: c.2873T>C on transcript NM_001273.5 (MANE Select); coding-DNA position 2873, T replaced by C.
Protein change: p.Leu958Pro; replaces leucine 958 with proline.
Molecular consequence: missense variant.
Genome position (GRCh38, 1-based): chr12:6,592,468, A>G on the plus strand (T>C on the coding strand, the complement: CHD4 is on the minus strand). VCF-style: chr12-6592468-A-G. GRCh37 (hg19) VCF-style: chr12-6701634-A-G.
Other names: c.2852T>C, p.Leu951Pro (NM_001297553.2); c.2834T>C, p.Leu945Pro (NM_001363606.2); short protein forms L945P, L951P, L958P.
Identifiers: ClinVar variation 3234048 (VCV003234048.2), dbSNP rs2540397477, ClinGen allele CA383587983.

ClinVar aggregate classification (germline): Conflicting classifications of pathogenicity. Review status: criteria provided, conflicting classifications (1 of 4 stars). 2 submissions from 2 submitters: Likely pathogenic (1); Uncertain significance (1). Last evaluated 2023-03-10.

Conditions:
Sifrim-Hitz-Weiss syndrome (SIHIWES). Also called: SIFRIM-HITZ-WEISS MULTIPLE CONGENITAL ANOMALIES-MENTAL RETARDATION SYNDROME; CHD4 Neurodevelopmental Disorder. Identifiers: Orphanet 653712, MedGen C4310688, MONDO:0014946, OMIM 617159.

Submissions (2):

MVZ Medizinische Genetik Mainz
Classification: Likely pathogenic for Sifrim-Hitz-Weiss syndrome. Last evaluated: 2023-03-10. Review status: criteria provided, single submitter. Criteria: UK Practice Guidelines For Variant Classification V4 01 2020. Collection method: clinical testing. Allele origin: germline. Inheritance: Autosomal dominant inheritance. Affected: yes. Observed: 1 variant allele.
Comment: ACMG Criteria: PM1_SUP,PM2_SUP,PP2,PP3

Blueprint Genetics
Classification: Uncertain significance. Last evaluated: 2022-11-15. Review status: criteria provided, single submitter. Criteria: ACMG Guidelines, 2015. Collection method: clinical testing. Allele origin: germline.